The following is an entry in ClinVar:

ClinVar aggregate classification (germline): Uncertain significance. Review status: criteria provided, multiple submitters, no conflicts (2 of 4 stars). 3 submissions from 3 submitters: Uncertain significance (3). Last evaluated 2024-02-06.

Conditions:
Hereditary cancer-predisposing syndrome. Also called: Neoplastic Syndromes, Hereditary; Tumor predisposition; Hereditary Cancer Syndrome; Hereditary neoplastic syndrome. Identifiers: Orphanet 140162, MedGen C0027672, MeSH D009386, MONDO:0015356.
BAP1-related tumor predisposition syndrome (TPDS1). Also called: BAP1 tumor predisposition syndrome; Tumor susceptibility linked to germline BAP1 mutations; COMMON Syndrome; TUMOR PREDISPOSITION SYNDROME 1. Identifiers: Orphanet 289539, MedGen C3280492, MONDO:0013692, OMIM 614327.

Allele frequency attached by ClinVar (database versions not stated): gnomAD exomes below 0.00001.
gnomAD v4.1: 1 of 1,613,962 alleles (0.000062%); highest among the groups gnomAD compares: Admixed American, 0.0017%; no homozygotes.

Submissions (3):

Baylor Genetics
Classification: Uncertain significance for BAP1-related tumor predisposition syndrome. Last evaluated: 2024-02-06. Review status: criteria provided, single submitter. Criteria: ACMG Guidelines, 2015. Collection method: clinical testing. Allele origin: unknown.

Labcorp Genetics (formerly Invitae), Labcorp
Classification: Uncertain significance for BAP1-related tumor predisposition syndrome. Last evaluated: 2022-06-12. Review status: criteria provided, single submitter. Criteria: Invitae Variant Classification Sherloc (09022015). Collection method: clinical testing. Allele origin: germline.
Comment: RNA analysis performed to evaluate the impact of this missense change on mRNA splicing indicates it does not significantly alter splicing (Invitae). Algorithms developed to predict the effect of missense changes on protein structure and function are either unavailable or do not agree on the potential impact of this missense change (SIFT: "Deleterious"; PolyPhen-2: "Benign"; Align-GVGD: "Class C0"). This variant has not been reported in the literature in individuals affected with BAP1-related conditions. This variant is present in population databases (no rsID available, gnomAD 0.003%). This sequence change replaces threonine, which is neutral and polar, with proline, which is neutral and non-polar, at codon 524 of the BAP1 protein (p.Thr524Pro). In summary, the available evidence is currently insufficient to determine the role of this variant in disease. Therefore, it has been classified as a Variant of Uncertain Significance.

Ambry Genetics
Classification: Uncertain significance for Hereditary cancer-predisposing syndrome. Last evaluated: 2022-06-09. Review status: criteria provided, single submitter. Criteria: Ambry Variant Classification Scheme 2023. Collection method: clinical testing. Allele origin: germline.
Comment: The p.T524P variant (also known as c.1570A>C), located in coding exon 13 of the BAP1 gene, results from an A to C substitution at nucleotide position 1570. The threonine at codon 524 is replaced by proline, an amino acid with highly similar properties. This amino acid position is not well conserved in available vertebrate species. In addition, this alteration is predicted to be tolerated by in silico analysis. Since supporting evidence is limited at this time, the clinical significance of this alteration remains unclear.

NM_004656.4(BAP1):c.1570A>C (p.Thr524Pro)

Gene: BAP1 (BRCA1 associated deubiquitinase 1; minus strand). Cytogenetic location: 3p21.1.
Variant type: single nucleotide variant.
Coding change: c.1570A>C on transcript NM_004656.4 (MANE Select); coding-DNA position 1570, A replaced by C.
Protein change: p.Thr524Pro; replaces threonine 524 with proline.
Molecular consequence: missense variant.
Genome position (GRCh38, 1-based): chr3:52,403,575, T>G on the plus strand (A>C on the coding strand, the complement: BAP1 is on the minus strand). VCF-style: chr3-52403575-T-G. GRCh37 (hg19) VCF-style: chr3-52437591-T-G.
Other names: c.1516A>C, p.Thr506Pro (NM_001410772.1); short protein forms T506P, T524P.
Identifiers: ClinVar variation 1775498 (VCV001775498.8), dbSNP rs1483303680, ClinGen allele CA353100632.